The following is an entry in ClinVar:

ClinVar aggregate classification (germline): Pathogenic (1 of 4 stars; one submission).

Submission:

Labcorp Genetics (formerly Invitae), Labcorp
Classification: Pathogenic. Last evaluated: 2024-02-10. Review status: criteria provided, single submitter. Criteria: Invitae Variant Classification Sherloc (09022015). Collection method: clinical testing. Allele origin: germline.
Comment: This sequence change affects the initiator methionine of the ABCA12 mRNA. The next in-frame methionine is located at codon 215. This variant is not present in population databases (gnomAD no frequency). Disruption of the initiator codon has been observed in individual(s) with ichthyosis (PMID: 35734965). This variant disrupts a region of the ABCA12 protein in which other variant(s) (p.Arg60Pro) have been determined to be pathogenic (PMID: 22992804, 36980989). This suggests that this is a clinically significant region of the protein, and that variants that disrupt it are likely to be disease-causing. For these reasons, this variant has been classified as Pathogenic.

Literature cited by the submitters: PubMed 35734965; PubMed 22992804; PubMed 36980989.

NM_173076.3(ABCA12):c.2T>A (p.Met1Lys)

Gene: ABCA12 (ATP binding cassette subfamily A member 12; minus strand). Cytogenetic location: 2q35.
Variant type: single nucleotide variant.
Coding change: c.2T>A on transcript NM_173076.3 (MANE Select); coding-DNA position 2, T replaced by A.
Protein change: p.Met1Lys; changes the start codon (methionine 1).
Molecular consequence: missense variant, initiator codon variant. On other transcripts: non-coding transcript variant (1).
Genome position (GRCh38, 1-based): chr2:215,138,207, A>T on the plus strand (T>A on the coding strand, the complement: ABCA12 is on the minus strand). VCF-style: chr2-215138207-A-T. GRCh37 (hg19) VCF-style: chr2-216002930-A-T.
Other names: short protein forms M1K.
Identifiers: ClinVar variation 3638599 (VCV003638599.2).
Genomic context (GRCh38, chr2:215,138,207, plus strand): 5'-CTTTTTACACCTAGCCAATTTTTCCAGACCAGGATCTGAAGCTGATGAAACAGGGAAGCC[A>T]TCCTTCAAATGCCCCAAATGAGAGATTTCCTCTTCTTTTCTCCACTCCACAAATGAAGAA-3'
Protein context (NP_775099.2, residues 1-11): [Met1Lys]ASLFHQLQIL